The following is an entry in ClinVar:

NM_005612.5(REST):c.131C>G (p.Pro44Arg)

Gene: REST (RE1 silencing transcription factor; plus strand). Cytogenetic location: 4q12.
Variant type: single nucleotide variant.
Coding change: c.131C>G on transcript NM_005612.5 (MANE Select); coding-DNA position 131, C replaced by G.
Protein change: p.Pro44Arg; replaces proline 44 with arginine.
Molecular consequence: missense variant.
Genome position (GRCh38, 1-based): chr4:56,910,769, C>G. VCF-style: chr4-56910769-C-G. GRCh37 (hg19) VCF-style: chr4-57776935-C-G.
Other names: c.131C>G, p.Pro44Arg (NM_001193508.2, NM_001363453.3); short protein forms P44R.
Identifiers: ClinVar variation 3033506 (VCV003033506.2), dbSNP rs2475797654, ClinGen allele CA357002876.

ClinVar aggregate classification (germline): Uncertain significance (0 of 4 stars; one submission).

Conditions:
REST-related disorder. Also called: REST-related condition.

Submission:

PreventionGenetics, part of Exact Sciences
Classification: Uncertain significance for REST-related condition. Last evaluated: 2023-12-06. Review status: no assertion criteria provided. Collection method: clinical testing. Allele origin: germline.
Comment: The REST c.131C>G variant is predicted to result in the amino acid substitution p.Pro44Arg. To our knowledge, this variant has not been reported in the literature or in a large population database, indicating this variant is rare. This variant is not present in ClinVar database. At this time, the clinical significance of this variant is uncertain due to the absence of conclusive functional and genetic evidence.